The following is an entry in ClinVar:

ClinVar aggregate classification (germline): Uncertain significance (1 of 4 stars; one submission).

Conditions:
Cardiovascular phenotype. Identifiers: MedGen CN230736.

Submission:

Ambry Genetics
Classification: Uncertain significance for Cardiovascular phenotype. Last evaluated: 2013-08-07. Review status: criteria provided, single submitter. Criteria: Ambry Autosomal Dominant and X-Linked criteria (10/2015). Collection method: clinical testing. Allele origin: germline. Observed: 1 variant allele.
Comment: There is insufficient or conflicting evidence for classification of this alteration.

NM_001267550.2(TTN):c.8223_8224delinsTC (p.Lys2742Gln)

Gene: TTN (titin; minus strand). Cytogenetic location: 2q31.2.
Variant type: Indel.
Coding change: c.8223_8224delinsTC on transcript NM_001267550.2 (MANE Select); coding-DNA positions 8223 to 8224, CA replaced by TC.
Protein change: p.Lys2742Gln; replaces lysine 2742 with glutamine.
Molecular consequence: missense variant.
Genome position (GRCh38, 1-based): chr2:178,770,568-178,770,569, TG replaced by GA on the plus strand (CA replaced by TC on the coding strand, the reverse complement: TTN is on the minus strand). VCF-style: chr2-178770568-TG-GA. GRCh37 (hg19) VCF-style: chr2-179635295-TG-GA.
Other names: c.8223_8224delinsTC, p.Lys2742Gln (NM_133378.4, NM_001256850.1, NM_133379.5); c.8085_8086delinsTC, p.Lys2696Gln (NM_003319.4, NM_133432.3, NM_133437.4); short protein forms K2742Q, K2696Q.
Identifiers: ClinVar variation 263691 (VCV000263691.3), dbSNP rs886038896, ClinGen allele CA10587515.